The following is an entry in ClinVar:

NM_001077706.3(ECT2L):c.1532C>T (p.Ala511Val)

Gene: ECT2L (epithelial cell transforming 2 like; plus strand). Cytogenetic location: 6q24.1.
Variant type: single nucleotide variant.
Coding change: c.1532C>T on transcript NM_001077706.3 (MANE Select); coding-DNA position 1532, C replaced by T.
Protein change: p.Ala511Val; replaces alanine 511 with valine.
Molecular consequence: missense variant.
Genome position (GRCh38, 1-based): chr6:138,868,160, C>T. VCF-style: chr6-138868160-C-T. GRCh37 (hg19) VCF-style: chr6-139189297-C-T.
Other names: c.1532C>T, p.Ala511Val (NM_001195037.2); short protein forms A511V.
Identifiers: ClinVar variation 133989 (VCV000133989.1), dbSNP rs202079003, ClinGen allele CA158347.

ClinVar aggregate classification (germline): not provided (0 of 4 stars; one submission).

Allele frequency attached by ClinVar (database versions not stated): TOPMed 0.00011; gnomAD 0.00014; 1000 Genomes Project 0.00100; 1000 Genomes Project 30x 0.00141.
gnomAD v4.1: 620 of 1,613,672 alleles (0.038%); highest among the groups gnomAD compares: South Asian, 0.36%; 4 homozygotes.

Submission:

ITMI
No classification provided. Condition: AllHighlyPenetrant. Last evaluated: 2013-09-19. Review status: no classification provided. Collection method: reference population. Allele origin: germline.
Comment: Please see associated publication for description of ethnicities

Literature cited by the submitters: PubMed 24728327.